The following is an entry in ClinVar:

ClinVar aggregate classification (germline): Uncertain significance. Review status: criteria provided, multiple submitters, no conflicts (2 of 4 stars). 2 submissions from 2 submitters: Uncertain significance (2). Last evaluated 2026-07-19.

Conditions:
RASopathy. Also called: Noonan spectrum disorder; rasopathies. Identifiers: Orphanet 536391, MedGen C5555857, MONDO:0021060.
Cardiovascular phenotype. Identifiers: MedGen CN230736.

Allele frequency attached by ClinVar (database versions not stated): gnomAD exomes below 0.00001.
gnomAD v4.1: 2 of 1,614,152 alleles (0.00012%); highest among the groups gnomAD compares: Non-Finnish European, 0.00017%; no homozygotes.

Submissions (2):

Ambry Genetics
Classification: Uncertain significance for Cardiovascular phenotype. Last evaluated: 2026-07-19. Review status: criteria provided, single submitter. Criteria: Ambry Variant Classification Scheme 2023. Collection method: clinical testing. Allele origin: germline.
Comment: The p.P780S variant (also known as c.2338C>T), located in coding exon 15 of the CBL gene, results from a C to T substitution at nucleotide position 2338. The proline at codon 780 is replaced by serine, an amino acid with similar properties. This amino acid position is conserved. In addition, this alteration is predicted to be tolerated by in silico analysis. Based on the available evidence, the clinical significance of this variant remains unclear.

Labcorp Genetics (formerly Invitae), Labcorp
Classification: Uncertain significance for RASopathy. Last evaluated: 2025-03-17. Review status: criteria provided, single submitter. Criteria: Invitae Variant Classification Sherloc (09022015). Collection method: clinical testing. Allele origin: germline.
Comment: This sequence change replaces proline, which is neutral and non-polar, with serine, which is neutral and polar, at codon 780 of the CBL protein (p.Pro780Ser). This variant is not present in population databases (gnomAD no frequency). This variant has not been reported in the literature in individuals affected with CBL-related conditions. ClinVar contains an entry for this variant (Variation ID: 477709). Invitae Evidence Modeling of protein sequence and biophysical properties (such as structural, functional, and spatial information, amino acid conservation, physicochemical variation, residue mobility, and thermodynamic stability) indicates that this missense variant is not expected to disrupt CBL protein function with a negative predictive value of 95%. In summary, the available evidence is currently insufficient to determine the role of this variant in disease. Therefore, it has been classified as a Variant of Uncertain Significance.

NM_005188.4(CBL):c.2338C>T (p.Pro780Ser)

Gene: CBL (Cbl proto-oncogene; plus strand). Cytogenetic location: 11q23.3.
Variant type: single nucleotide variant.
Coding change: c.2338C>T on transcript NM_005188.4 (MANE Select); coding-DNA position 2338, C replaced by T.
Protein change: p.Pro780Ser; replaces proline 780 with serine.
Molecular consequence: missense variant.
Genome position (GRCh38, 1-based): chr11:119,298,444, C>T. VCF-style: chr11-119298444-C-T. GRCh37 (hg19) VCF-style: chr11-119169154-C-T.
Other names: c.2338C>T (NM_005188.2); short protein forms P780S.
Identifiers: ClinVar variation 477709 (VCV000477709.9), dbSNP rs1555027886, ClinGen allele CA382929526.